The following is an entry in ClinVar:

NM_213653.4(HJV):c.3G>C (p.Met1Ile)

Gene: HJV (hemojuvelin BMP co-receptor; minus strand). Cytogenetic location: 1q21.1.
Variant type: single nucleotide variant.
Coding change: c.3G>C on transcript NM_213653.4 (MANE Select); coding-DNA position 3, G replaced by C.
Protein change: p.Met1Ile; changes the start codon (methionine 1).
Molecular consequence: missense variant, initiator codon variant. On other transcripts: 5 prime UTR variant (1), intron variant (3).
Genome position (GRCh38, 1-based): chr1:146,020,229, C>G on the plus strand (G>C on the coding strand, the complement: HJV is on the minus strand). VCF-style: chr1-146020229-C-G. GRCh37 (hg19) VCF-style: chr1-145414784-G-C.
Other names: c.-153G>C (NM_001316767.2); c.3G>C, p.Met1Ile (NM_001379352.1); c.-22+1358G>C (NM_213652.4); c.-58-495G>C (NM_202004.4); c.-242-495G>C (NM_145277.5); short protein forms M1I.
Identifiers: ClinVar variation 2506134 (VCV002506134.2), dbSNP rs2101986552, ClinGen allele CA342145301.
Genomic context (GRCh38, chr1:146,020,229, plus strand): 5'-GCTTAGAGTTGGGGGACTGCCATGGGAGGACCTGGGACTAGGGGACTGGCCTGGCTCCCC[C>G]ATACCTATCCAGCCAGGTTTCCCAGGCGCCGGTTCTTCCCAGCTGATGACCCTCCTACCT-3'
Protein context (NP_998818.1, residues 1-11): [Met1Ile]GEPGQSPSPR

ClinVar aggregate classification (germline): Likely pathogenic (1 of 4 stars; one submission).

Conditions:
Hemochromatosis type 2A (HFE2A). Also called: HJV (HFE2)-Related Juvenile Hemochromatosis; Adult-Onset Hemochromatosis. Identifiers: Orphanet 79230, MedGen C1865614, MONDO:0011216, OMIM 602390.

Submission:

Women's Health and Genetics/Laboratory Corporation of America, LabCorp
Classification: Likely pathogenic for Hemochromatosis type 2A. Last evaluated: 2023-05-17. Review status: criteria provided, single submitter. Criteria: LabCorp Variant Classification Summary - May 2015. Collection method: clinical testing. Allele origin: germline.
Comment: Variant summary: HJV c.3G>C (p.Met1Ile) alters the initiation codon and is predicted to result either in absence of the protein or truncation of the encoded protein due to translation initiation at a downstream codon. An alternative downstream in-frame start codon (p.Met114) is located in exon 3 of the encoded protein. Missense variants upstream of this putative start codon have been classified pathogenic in ClinVar (examples: p.Leu101pro, p.Cys80Arg). Three of four in-silico tools predict a damaging effect of the variant on protein function. The variant was absent in 251406 control chromosomes (gnomAD). To our knowledge, no occurrence of c.3G>C in individuals affected with Hemochromatosis Type 2A and no experimental evidence demonstrating its impact on protein function have been reported. One clinical diagnostic laboratory has submitted clinical-significance assessments for this variant to ClinVar after 2014 and classified the variant as likely pathogenic. Based on the evidence outlined above, the variant was classified as likely pathogenic.